The following is an entry in ClinVar:

NM_015631.6(TCTN3):c.1139G>C (p.Ser380Thr)

Gene: TCTN3 (tectonic family member 3; minus strand). Cytogenetic location: 10q24.1.
Variant type: single nucleotide variant.
Coding change: c.1139G>C on transcript NM_015631.6 (MANE Select); coding-DNA position 1139, G replaced by C.
Protein change: p.Ser380Thr; replaces serine 380 with threonine.
Molecular consequence: missense variant.
Genome position (GRCh38, 1-based): chr10:95,683,586, C>G on the plus strand (G>C on the coding strand, the complement: TCTN3 is on the minus strand). VCF-style: chr10-95683586-C-G. GRCh37 (hg19) VCF-style: chr10-97443343-C-G.
Other names: c.1193G>C, p.Ser398Thr (NM_001013840.1); c.695G>C, p.Ser232Thr (NM_001143973.2); c.1058G>C, p.Ser353Thr (NM_001410982.1); short protein forms S380T, S398T, S232T, S353T.
Identifiers: ClinVar variation 2147816 (VCV002147816.3), dbSNP rs1440931115, ClinGen allele CA377704529.

ClinVar aggregate classification (germline): Uncertain significance. Review status: criteria provided, multiple submitters, no conflicts (2 of 4 stars). 2 submissions from 2 submitters: Uncertain significance (2). Last evaluated 2022-09-13.

Conditions:
Orofacial-digital syndrome IV (OFD4). Also called: OFD SYNDROME WITH TIBIAL DEFECTS; OFD SYNDROME, BARAITSER-BURN TYPE; OFDS IV; ORAL-FACIAL-DIGITAL SYNDROME, TYPE IV; MOHR-MAJEWSKI SYNDROME; BARAITSER-BURN SYNDROME. Identifiers: Orphanet 2753, MedGen C0406727, MONDO:0009794, OMIM 258860.
Joubert syndrome 18 (JBTS18). Identifiers: Orphanet 2754, MedGen C3553758, MONDO:0013896, OMIM 614815.

Allele frequency attached by ClinVar (database versions not stated): gnomAD 0.00001; gnomAD exomes 0.00001.

Submissions (2):

Labcorp Genetics (formerly Invitae), Labcorp
Classification: Uncertain significance for Joubert syndrome 18; Orofacial-digital syndrome IV. Last evaluated: 2022-09-13. Review status: criteria provided, single submitter. Criteria: Invitae Variant Classification Sherloc (09022015). Collection method: clinical testing. Allele origin: germline.
Comment: This variant is present in population databases (no rsID available, gnomAD 0.006%). This sequence change replaces serine, which is neutral and polar, with threonine, which is neutral and polar, at codon 380 of the TCTN3 protein (p.Ser380Thr). This variant has not been reported in the literature in individuals affected with TCTN3-related conditions. In summary, the available evidence is currently insufficient to determine the role of this variant in disease. Therefore, it has been classified as a Variant of Uncertain Significance. Advanced modeling of protein sequence and biophysical properties (such as structural, functional, and spatial information, amino acid conservation, physicochemical variation, residue mobility, and thermodynamic stability) performed at Invitae indicates that this missense variant is expected to disrupt TCTN3 protein function.

Blueprint Genetics
Classification: Uncertain significance. Last evaluated: 2021-11-18. Review status: criteria provided, single submitter. Criteria: ACMG Guidelines, 2015. Collection method: clinical testing. Allele origin: germline.